The following is an entry in ClinVar:

ClinVar aggregate classification (germline): Uncertain significance (1 of 4 stars; one submission).

Conditions:
Epidermolysis bullosa simplex 5B, with muscular dystrophy (EBS5B). Also called: Epidermolysis bullosa simplex with muscular dystrophy; EPIDERMOLYSIS BULLOSA SIMPLEX AND LIMB-GIRDLE MUSCULAR DYSTROPHY. Identifiers: Orphanet 257, MedGen C2931072, MONDO:0009181, OMIM 226670.
Epidermolysis bullosa simplex, Ogna type (EBS5A). Also called: Pidermolysis bullosa simplex 5A, Ogna type; EPIDERMOLYSIS BULLOSA SIMPLEX 5A, OGNA TYPE. Identifiers: Orphanet 79401, MedGen C0432317, MONDO:0007555, OMIM 131950.
Epidermolysis bullosa simplex with nail dystrophy (EBS5D). Identifiers: MedGen C4225309, MONDO:0014661, OMIM 616487.
Epidermolysis bullosa simplex 5C, with pyloric atresia (EBS5C). Also called: Epidermolysis bullosa simplex with pyloric atresia; PLEC-Related Epidermolysis Bullosa with Pyloric Atresia; PLEC1-Related Epidermolysis Bullosa with Pyloric Atresia. Identifiers: Orphanet 158684, MedGen C2677349, MONDO:0012807, OMIM 612138.
Autosomal recessive limb-girdle muscular dystrophy type 2Q (LGMDR17). Also called: MUSCULAR DYSTROPHY, LIMB-GIRDLE, AUTOSOMAL RECESSIVE 17. Identifiers: Orphanet 254361, MedGen C3150989, MONDO:0013390, OMIM 613723.

Allele frequency attached by ClinVar (database versions not stated): gnomAD exomes 0.00001; gnomAD 0.00003 and 0.00004; TOPMed 0.00003.
gnomAD v4.1: 9 of 1,611,954 alleles (0.00056%); highest among the groups gnomAD compares: African/African-American, 0.0093%; no homozygotes.

Submission:

Labcorp Genetics (formerly Invitae), Labcorp
Classification: Uncertain significance for Autosomal recessive limb-girdle muscular dystrophy type 2Q; Epidermolysis bullosa simplex, Ogna type; Epidermolysis bullosa simplex with nail dystrophy; Epidermolysis bullosa simplex 5C, with pyloric atresia; Epidermolysis bullosa simplex 5B, with muscular dystrophy. Last evaluated: 2022-06-13. Review status: criteria provided, single submitter. Criteria: Invitae Variant Classification Sherloc (09022015). Collection method: clinical testing. Allele origin: germline.
Comment: In summary, the available evidence is currently insufficient to determine the role of this variant in disease. Therefore, it has been classified as a Variant of Uncertain Significance. Variants that disrupt the consensus splice site are a relatively common cause of aberrant splicing (PMID: 17576681, 9536098). Algorithms developed to predict the effect of sequence changes on RNA splicing suggest that this variant is not likely to affect RNA splicing. This variant has not been reported in the literature in individuals affected with PLEC-related conditions. This variant is present in population databases (no rsID available, gnomAD 0.007%). This sequence change falls in intron 15 of the PLEC gene. It does not directly change the encoded amino acid sequence of the PLEC protein. It affects a nucleotide within the consensus splice site.

Literature cited by the submitters: PubMed 17576681; PubMed 9536098.

NM_201384.3(PLEC):c.1737+3G>A

Gene: PLEC (plectin; minus strand). Cytogenetic location: 8q24.3.
Variant type: single nucleotide variant.
Coding change: c.1737+3G>A on transcript NM_201384.3 (MANE Select); 3 bases into the intron after coding-DNA position 1737, G replaced by A.
Molecular consequence: intron variant.
Genome position (GRCh38, 1-based): chr8:143,932,790, C>T on the plus strand (G>A on the coding strand, the complement: PLEC is on the minus strand). VCF-style: chr8-143932790-C-T. GRCh37 (hg19) VCF-style: chr8-145006958-C-T.
Other names: c.1818+3G>A (NM_000445.5); c.1695+3G>A (NM_201378.4); c.1671+3G>A (NM_201379.3); c.2148+3G>A (NM_201380.4); c.1641+3G>A (NM_201381.3); c.1737+3G>A (NM_201382.4); c.1749+3G>A (NM_201383.3).
Identifiers: ClinVar variation 1444623 (VCV001444623.6), dbSNP rs1014660191, ClinGen allele CA187621377.
Genomic context (GRCh38, chr8:143,932,790, plus strand): 5'-GTGAGGTCTGCAGTGGCTGGGCCCGGCCCACCCCCGCACTGCCCATCGCTCAGCGCCACC[C>T]ACCTCGTCACTCCGTGCCCGCTCGATCTTGGCCCGGAATTCTTCGATGGACTGGTGCAGG-3'